The following is an entry in ClinVar:

NM_001470.4(GABBR1):c.2119C>T (p.Pro707Ser)

Gene: GABBR1 (gamma-aminobutyric acid type B receptor subunit 1; minus strand). Cytogenetic location: 6p22.1.
Variant type: single nucleotide variant.
Coding change: c.2119C>T on transcript NM_001470.4 (MANE Select); coding-DNA position 2119, C replaced by T.
Protein change: p.Pro707Ser; replaces proline 707 with serine.
Molecular consequence: missense variant.
Genome position (GRCh38, 1-based): chr6:29,606,995, G>A on the plus strand (C>T on the coding strand, the complement: GABBR1 is on the minus strand). VCF-style: chr6-29606995-G-A. GRCh37 (hg19) VCF-style: chr6-29574772-G-A.
Other names: c.1588C>T, p.Pro530Ser (NM_001319053.2); c.1768C>T, p.Pro590Ser (NM_021903.3); c.1933C>T, p.Pro645Ser (NM_021904.4); short protein forms P530S, P590S, P645S, P707S.
Identifiers: ClinVar variation 5019236 (VCV005019236.2).

ClinVar aggregate classification (germline): Uncertain significance (1 of 4 stars; one submission).

Conditions:
Neurodevelopmental disorder with language delay and variable cognitive abnormalities (NEDLC). Identifiers: MedGen C5882689, MONDO:0957779, OMIM 620502.

Submission:

Juno Genomics, Hangzhou Juno Genomics, Inc
Classification: Uncertain significance for Neurodevelopmental disorder with language delay and variable cognitive abnormalities. Review status: criteria provided, single submitter. Criteria: ACMG Guidelines, 2015. Collection method: clinical testing. Allele origin: germline.
Comment: Absent from controls (or at extremely low frequency if recessive) in Genome Aggregation Database.;Missense variant in a gene that has a low rate of benign missense variation.